The following is an entry in ClinVar:

NM_007325.5(GRIA3):c.123G>C (p.Met41Ile)

Gene: GRIA3 (glutamate ionotropic receptor AMPA type subunit 3; plus strand). Cytogenetic location: Xq25.
Variant type: single nucleotide variant.
Coding change: c.123G>C on transcript NM_007325.5 (MANE Select); coding-DNA position 123, G replaced by C.
Protein change: p.Met41Ile; replaces methionine 41 with isoleucine.
Molecular consequence: missense variant.
Genome position (GRCh38, 1-based): chrX:123,185,845, G>C. VCF-style: chrX-123185845-G-C. GRCh37 (hg19) VCF-style: chrX-122319697-G-C.
Other names: c.123G>C, p.Met41Ile (NM_000828.5, NM_001256743.2); short protein forms M41I.
Identifiers: ClinVar variation 1328118 (VCV001328118.4), dbSNP rs2147244054, ClinGen allele CA414255086.

ClinVar aggregate classification (germline): Uncertain significance (1 of 4 stars; one submission).

Conditions:
GRIA3-related complex neurodevelopmental disorder.

Submission:

Illumina Laboratory Services, Illumina
Classification: Uncertain significance for GRIA3-related complex neurodevelopmental disorder. Last evaluated: 2021-09-13. Review status: criteria provided, single submitter. Criteria: ICSLVariantClassificationCriteria RUGD 01 April 2020. Collection method: clinical testing. Allele origin: unknown.
Comment: The GRIA3 c.122G>C (p.Met41Ile) variant is a missense variant. A literature search was performed for the gene, cDNA change, and amino acid change. No publications were found based on this search. This variant is not found in version 2.1.1 or version 3.1.1 of the Genome Aggregation Database despite its location in a region of good sequence coverage, which suggests that the variant is rare. Based on the available evidence, the p.Met41Ile variant is classified as a variant of uncertain significance for GRIA3-related complex neurodevelopmental disorder.